The following is an entry in ClinVar:

NM_001282531.3(ADNP):c.1601T>G (p.Val534Gly)

Gene: ADNP (activity dependent neuroprotector homeobox; minus strand). Cytogenetic location: 20q13.13.
Variant type: single nucleotide variant.
Coding change: c.1601T>G on transcript NM_001282531.3 (MANE Select); coding-DNA position 1601, T replaced by G.
Protein change: p.Val534Gly; replaces valine 534 with glycine.
Molecular consequence: missense variant.
Genome position (GRCh38, 1-based): chr20:50,893,113, A>C on the plus strand (T>G on the coding strand, the complement: ADNP is on the minus strand). VCF-style: chr20-50893113-A-C. GRCh37 (hg19) VCF-style: chr20-49509650-A-C.
Other names: c.1601T>G, p.Val534Gly (NM_001282532.2, NM_001347511.2, NM_015339.5 and 1 more transcripts); short protein forms V534G.
Identifiers: ClinVar variation 3691315 (VCV003691315.2).

ClinVar aggregate classification (germline): Uncertain significance (1 of 4 stars; one submission).

Submission:

Labcorp Genetics (formerly Invitae), Labcorp
Classification: Uncertain significance. Last evaluated: 2024-03-24. Review status: criteria provided, single submitter. Criteria: Invitae Variant Classification Sherloc (09022015). Collection method: clinical testing. Allele origin: germline.
Comment: This sequence change replaces valine, which is neutral and non-polar, with glycine, which is neutral and non-polar, at codon 534 of the ADNP protein (p.Val534Gly). This variant is not present in population databases (gnomAD no frequency). This variant has not been reported in the literature in individuals affected with ADNP-related conditions. An algorithm developed to predict the effect of missense changes on protein structure and function (PolyPhen-2) suggests that this variant is likely to be tolerated. In summary, the available evidence is currently insufficient to determine the role of this variant in disease. Therefore, it has been classified as a Variant of Uncertain Significance.